The following is an entry in ClinVar:

NM_175914.5(HNF4A):c.1063+106G>A

Gene: HNF4A (hepatocyte nuclear factor 4 alpha; plus strand). Cytogenetic location: 20q13.12.
Variant type: single nucleotide variant.
Coding change: c.1063+106G>A on transcript NM_175914.5 (MANE Select); 106 bases into the intron after coding-DNA position 1063, G replaced by A.
Molecular consequence: intron variant. On other transcripts: missense variant (3).
Genome position (GRCh38, 1-based): chr20:44,424,360, G>A. VCF-style: chr20-44424360-G-A. GRCh37 (hg19) VCF-style: chr20-43053000-G-A.
Other names: c.1169G>A, p.Arg390His (NM_001030004.3); c.1160G>A, p.Arg387His (NM_001287184.2); c.1235G>A, p.Arg412His (NM_178850.3); c.1054+106G>A (NM_001287182.2, NM_001287183.2); c.1063+106G>A (NM_001030003.3); c.1108+106G>A (NM_001258355.2); c.1129+106G>A (NM_178849.3, NM_000457.6); short protein forms R387H, R390H, R412H.
Identifiers: ClinVar variation 3768286 (VCV003768286.1).

ClinVar aggregate classification (germline): Likely benign (1 of 4 stars; one submission).

gnomAD v4.1: 44 of 1,542,930 alleles (0.0029%); highest among the groups gnomAD compares: South Asian, 0.03%; no homozygotes.

Submission:

Women's Health and Genetics/Laboratory Corporation of America, LabCorp
Classification: Likely benign. Last evaluated: 2024-12-04. Review status: criteria provided, single submitter. Criteria: LabCorp Variant Classification Summary - May 2015. Collection method: clinical testing. Allele origin: germline.
Comment: Variant summary: HNF4A c.1063+106G>A is located at a position not widely known to affect splicing. Consensus agreement among computation tools predict no significant impact on normal splicing. However, these predictions have yet to be confirmed by functional studies. This variant is also known as c.1235G>A (p.Arg412His) in NM_178850.3. The variant allele was found at a frequency of 2.9e-05 in 1542930 control chromosomes (gnomAD database v4). The observed variant frequency is approximately 9 fold of the estimated maximal expected allele frequency for a pathogenic variant in HNF4A causing Maturity Onset Diabetes Of The Young 1/Neonatal Diabetes Mellitus phenotype (3.1e-06). To our knowledge, no occurrence of c.1063+106G>A in individuals affected with Maturity Onset Diabetes Of The Young 1/Neonatal Diabetes Mellitus and no experimental evidence demonstrating its impact on protein function have been reported. No submitters have cited clinical-significance assessments for this variant to ClinVar. Based on the evidence outlined above, the variant was classified as likely benign.